The following is an entry in ClinVar:

ClinVar aggregate classification (germline): Uncertain significance (1 of 4 stars; one submission).

Allele frequency attached by ClinVar (database versions not stated): gnomAD 0.00001; ExAC 0.00002; TOPMed 0.00003.
gnomAD v4.1: 33 of 1,613,296 alleles (0.002%); highest among the groups gnomAD compares: Admixed American, 0.01%; no homozygotes.

Submission:

Labcorp Genetics (formerly Invitae), Labcorp
Classification: Uncertain significance. Last evaluated: 2024-06-21. Review status: criteria provided, single submitter. Criteria: Invitae Variant Classification Sherloc (09022015). Collection method: clinical testing. Allele origin: germline.
Comment: This sequence change replaces serine, which is neutral and polar, with threonine, which is neutral and polar, at codon 1529 of the RP1 protein (p.Ser1529Thr). This variant is present in population databases (rs762527003, gnomAD 0.01%). This variant has not been reported in the literature in individuals affected with RP1-related conditions. ClinVar contains an entry for this variant (Variation ID: 1941779). An algorithm developed to predict the effect of missense changes on protein structure and function (PolyPhen-2) suggests that this variant is likely to be tolerated. In summary, the available evidence is currently insufficient to determine the role of this variant in disease. Therefore, it has been classified as a Variant of Uncertain Significance.

NM_006269.2(RP1):c.4586G>C (p.Ser1529Thr)

Gene: RP1 (RP1 axonemal microtubule associated; plus strand). Cytogenetic location: 8q12.1.
Variant type: single nucleotide variant.
Coding change: c.4586G>C on transcript NM_006269.2 (MANE Select); coding-DNA position 4586, G replaced by C.
Protein change: p.Ser1529Thr; replaces serine 1529 with threonine.
Molecular consequence: missense variant. On other transcripts: intron variant (1).
Genome position (GRCh38, 1-based): chr8:54,628,468, G>C. VCF-style: chr8-54628468-G-C. GRCh37 (hg19) VCF-style: chr8-55541028-G-C.
Other names: c.787+6180G>C (NM_001375654.1); short protein forms S1529T.
Identifiers: ClinVar variation 1941779 (VCV001941779.5), dbSNP rs762527003, ClinGen allele CA4751909.